The following is an entry in ClinVar:

ClinVar aggregate classification (germline): Benign/Likely benign. Review status: criteria provided, multiple submitters, no conflicts (2 of 4 stars). 4 submissions from 4 submitters: Benign (3); Likely benign (1). Last evaluated 2026-01-18.

Conditions:
Metaphyseal anadysplasia 2 (MANDP2). Also called: Metaphyseal anadysplasia 2, autosomal recessive. Identifiers: Orphanet 1040, MedGen C2751322, MONDO:0013113, OMIM 613073.

Allele frequency attached by ClinVar (database versions not stated): gnomAD exomes 0.00042 and 0.00117; ExAC 0.00151; gnomAD 0.00451 and 0.00493; 1000 Genomes Project 0.00459; TOPMed 0.00482; 1000 Genomes Project 30x 0.00547; ESP Exome Variant Server 0.00569.

Submissions (4):

Labcorp Genetics (formerly Invitae), Labcorp
Classification: Benign. Last evaluated: 2026-01-18. Review status: criteria provided, single submitter. Criteria: Invitae Variant Classification Sherloc (09022015). Collection method: clinical testing. Allele origin: germline.

Blueprint Genetics
Classification: Likely benign. Last evaluated: 2024-10-24. Review status: criteria provided, single submitter. Criteria: ACMG Guidelines, 2015. Collection method: clinical testing. Allele origin: germline.

Illumina Laboratory Services, Illumina
Classification: Benign for Metaphyseal anadysplasia 2. Last evaluated: 2017-04-28. Review status: criteria provided, single submitter. Criteria: ICSL Variant Classification Criteria 13 December 2019. Collection method: clinical testing. Allele origin: germline.
Comment: This variant was observed as part of a predisposition screen in an ostensibly healthy population. A literature search was performed for the gene, cDNA change, and amino acid change (where applicable). No publications were found based on this search. Allele frequency data from public databases was too high to be consistent with this variant causing disease. Therefore, this variant is classified as benign.

Breakthrough Genomics
Classification: Benign. Review status: criteria provided, single submitter. Criteria: ACMG Guidelines, 2015. Collection method: not provided. Allele origin: germline. Inheritance: Autosomal recessive inheritance. Affected: yes.

NM_004994.3(MMP9):c.2022C>T (p.Cys674=)

Genes: MMP9 (matrix metallopeptidase 9; plus strand), SLC12A5-AS1 (SLC12A5 and MMP9 antisense RNA 1; minus strand). Cytogenetic location: 20q13.12.
Variant type: single nucleotide variant.
Coding change: c.2022C>T on transcript NM_004994.3 (MANE Select); coding-DNA position 2022, C replaced by T.
Protein change: p.Cys674=; no amino-acid change (cysteine 674 retained).
Molecular consequence: synonymous variant.
Genome position (GRCh38, 1-based): chr20:46,016,266, C>T. VCF-style: chr20-46016266-C-T. GRCh37 (hg19) VCF-style: chr20-44644905-C-T.
Identifiers: ClinVar variation 732688 (VCV000732688.16), dbSNP rs1802909, ClinGen allele CA9886879.
Genomic context (GRCh38, chr20:46,016,266, plus strand): 5'-GGAGAATTAGAATCACTCCTCTTATGCCTGCCTGTCTCCTGCAGAGAAAGCCTATTTCTG[C>T]CAGGACCGCTTCTACTGGCGCGTGAGTTCCCGGAGTGAGTTGAACCAGGTGGACCAAGTG-3'
Protein context (NP_004985.2, residues 664-684): VFQYREKAYF[Cys674=]QDRFYWRVSS